The following is an entry in ClinVar:

ClinVar aggregate classification (germline): Uncertain significance (1 of 4 stars; one submission).

Submission:

GeneDx
Classification: Uncertain significance. Last evaluated: 2023-07-10. Review status: criteria provided, single submitter. Criteria: GeneDx Variant Classification Process June 2021. Collection method: clinical testing. Allele origin: germline. Affected: yes.
Comment: Not observed at significant frequency in large population cohorts (gnomAD); In silico analysis supports that this missense variant has a deleterious effect on protein structure/function; Has not been previously published as pathogenic or benign to our knowledge

NM_024757.5(EHMT1):c.443C>G (p.Pro148Arg)

Gene: EHMT1 (euchromatic histone lysine methyltransferase 1; plus strand). Cytogenetic location: 9q34.3.
Variant type: single nucleotide variant.
Coding change: c.443C>G on transcript NM_024757.5 (MANE Select); coding-DNA position 443, C replaced by G.
Protein change: p.Pro148Arg; replaces proline 148 with arginine.
Molecular consequence: missense variant.
Genome position (GRCh38, 1-based): chr9:137,716,983, C>G. VCF-style: chr9-137716983-C-G. GRCh37 (hg19) VCF-style: chr9-140611435-C-G.
Other names: c.443C>G, p.Pro148Arg (NM_001354263.2, NM_001354611.2, NM_001145527.2); c.350C>G, p.Pro117Arg (NM_001354612.2, NM_001354259.2); short protein forms P117R, P148R.
Identifiers: ClinVar variation 3360476 (VCV003360476.1).
Genomic context (GRCh38, chr9:137,716,983, plus strand): 5'-ATAAGCCGGCCCTACAGGCACAGCCCTTGAGGACTACCAGCACTCTGGCCTCTTCGCTGC[C>G]TGGCCATGCTGCAAAAACCCTTCCTGGAGGGGCTGGCAAAGGCAGGACTCCAAGCGCTTT-3'
Protein context (NP_079033.4, residues 138-158): RTTSTLASSL[Pro148Arg]GHAAKTLPGG